The following is an entry in ClinVar:

ClinVar aggregate classification (germline): Uncertain significance (1 of 4 stars; one submission).

Submission:

Ambry Genetics
Classification: Uncertain significance. Last evaluated: 2023-01-28. Review status: criteria provided, single submitter. Criteria: Ambry Variant Classification Scheme 2023. Collection method: clinical testing. Allele origin: germline.
Comment: The p.N697H variant (also known as c.2089A>C), located in coding exon 10 of the PALLD gene, results from an A to C substitution at nucleotide position 2089. The asparagine at codon 697 is replaced by histidine, an amino acid with similar properties. This amino acid position is conserved. In addition, the in silico prediction for this alteration is inconclusive. Since supporting evidence is limited at this time, the clinical significance of this alteration remains unclear.

NM_001166108.2(PALLD):c.2089A>C (p.Asn697His)

Gene: PALLD (palladin, cytoskeletal associated protein; plus strand). Cytogenetic location: 4q32.3.
Variant type: single nucleotide variant.
Coding change: c.2089A>C on transcript NM_001166108.2 (MANE Select); coding-DNA position 2089, A replaced by C.
Protein change: p.Asn697His; replaces asparagine 697 with histidine.
Molecular consequence: missense variant. On other transcripts: 5 prime UTR variant (4).
Genome position (GRCh38, 1-based): chr4:168,891,046, A>C. VCF-style: chr4-168891046-A-C. GRCh37 (hg19) VCF-style: chr4-169812197-A-C.
Other names: c.943A>C, p.Asn315His (NM_001166109.2); c.628A>C, p.Asn210His (NM_001166110.2); c.-33A>C (NM_001367567.1, NM_001367568.1, NM_001367569.1 and 1 more transcripts); c.2089A>C, p.Asn697His (NM_016081.4); short protein forms N315H, N210H, N697H.
Identifiers: ClinVar variation 2448485 (VCV002448485.2), dbSNP rs2533588476, ClinGen allele CA358797320.
Genomic context (GRCh38, chr4:168,891,046, plus strand): 5'-AAGGATGCTGTTATTCAAGACCTGGAACGAAAACTTCGCTTCAAGGAGGACCTCCTGAAC[A>C]ATGGCCAGCCGGTACTGATAGATTTGGGACCTGGACTTGGAATGTTAGCTACCCACATAC-3'
Protein context (NP_001159580.1, residues 687-707): KLRFKEDLLN[Asn697His]GQPRLTYEER